The following is an entry in ClinVar:

ClinVar aggregate classification (germline): Likely benign. Review status: criteria provided, single submitter (1 of 4 stars). 2 submissions from 2 submitters: Likely benign (1). 1 of the submissions does not count toward it. Last evaluated 2024-04-15.

Conditions:
IFT74-related disorder. Also called: IFT74-Related Disorders; IFT74-related condition.

Allele frequency attached by ClinVar (database versions not stated): gnomAD exomes below 0.00001; gnomAD 0.00001; TOPMed 0.00001.
gnomAD v4.1: 5 of 1,544,778 alleles (0.00032%); highest among the groups gnomAD compares: Admixed American, 0.0096%; no homozygotes.

Submissions (2):

Labcorp Genetics (formerly Invitae), Labcorp
Classification: Likely benign. Last evaluated: 2024-04-15. Review status: criteria provided, single submitter. Criteria: Invitae Variant Classification Sherloc (09022015). Collection method: clinical testing. Allele origin: germline.

PreventionGenetics, part of Exact Sciences
Classification: Likely benign for IFT74-related condition. Last evaluated: 2022-05-13. Review status: no assertion criteria provided. Collection method: clinical testing. Allele origin: germline. Not counted in ClinVar's aggregate classification.
Comment: This variant is classified as likely benign based on ACMG/AMP sequence variant interpretation guidelines (Richards et al. 2015 PMID: 25741868, with internal and published modifications).

NM_025103.4(IFT74):c.466-5T>C

Gene: IFT74 (intraflagellar transport 74; plus strand). Cytogenetic location: 9p21.2.
Variant type: single nucleotide variant.
Coding change: c.466-5T>C on transcript NM_025103.4 (MANE Select); 5 bases into the intron before coding-DNA position 466, T replaced by C.
Molecular consequence: intron variant.
Genome position (GRCh38, 1-based): chr9:26,988,664, T>C. VCF-style: chr9-26988664-T-C. GRCh37 (hg19) VCF-style: chr9-26988662-T-C.
Other names: c.466-5T>C (NM_025103.2, NM_001099223.3, NM_001099222.3 and 2 more transcripts).
Identifiers: ClinVar variation 3017236 (VCV003017236.4), dbSNP rs1395494741, ClinGen allele CA587123267.